The following is an entry in ClinVar:

ClinVar aggregate classification (germline): Pathogenic. Review status: criteria provided, multiple submitters, no conflicts (2 of 4 stars). 4 submissions from 4 submitters: Pathogenic (3). 1 of the submissions does not count toward it. Last evaluated 2025-06-27.

Conditions:
Autosomal recessive osteopetrosis 1. Also called: ALBERS-SCHONBERG DISEASE, AUTOSOMAL RECESSIVE; TCIRG1-Related Osteopetrosis; TCIRG1-Related Autosomal Recessive Osteopetrosis. Identifiers: Orphanet 667, MedGen C1850127, MONDO:0009815, OMIM 259700.
TCIRG1-related disorder. Also called: TCIRG1-related condition.

Submissions (4):

Natera, Inc.
Classification: Pathogenic for Infantile malignant osteopetrosis. Last evaluated: 2025-06-27. Review status: criteria provided, single submitter. Criteria: Natera Variant Classification Schema (03/2026). Collection method: clinical testing. Allele origin: germline.
Comment: The c.1230delG variant in TCIRG1 is a frameshift variant predicted to shift the reading frame beginning at codon 411 and leads to a stop codon 19 codons downstream. This variant is expected to result in nonsense mediated decay, truncation, or a dysfunctional protein product. This variant is rare in the general population with a frequency below the threshold expected for the associated phenotype(s). This variant has been observed in one or more individuals affected with the associated recessive disease, as either homozygous or compound heterozygous with a second variant (PMID: 12507890). Given the available evidence, this variant is classified as Pathogenic.

Labcorp Genetics (formerly Invitae), Labcorp
Classification: Pathogenic. Last evaluated: 2024-01-09. Review status: criteria provided, single submitter. Criteria: Invitae Variant Classification Sherloc (09022015). Collection method: clinical testing. Allele origin: germline.
Comment: This sequence change creates a premature translational stop signal (p.Leu411Cysfs*19) in the TCIRG1 gene. It is expected to result in an absent or disrupted protein product. Loss-of-function variants in TCIRG1 are known to be pathogenic (PMID: 10888887, 10942435, 11532986, 19448635). This variant is not present in population databases (gnomAD no frequency). This premature translational stop signal has been observed in individual(s) with autosomal recessive osteopetrosis (PMID: 12507890). This variant is also known as 8521delG. ClinVar contains an entry for this variant (Variation ID: 1452936). For these reasons, this variant has been classified as Pathogenic.

Baylor Genetics
Classification: Pathogenic for Autosomal recessive osteopetrosis 1. Last evaluated: 2023-06-07. Review status: criteria provided, single submitter. Criteria: ACMG Guidelines, 2015. Collection method: clinical testing. Allele origin: unknown.

PreventionGenetics, part of Exact Sciences
Classification: Pathogenic for TCIRG1-related condition. Last evaluated: 2023-10-18. Review status: no assertion criteria provided. Collection method: clinical testing. Allele origin: germline. Not counted in ClinVar's aggregate classification.
Comment: The TCIRG1 c.1230delG variant is predicted to result in a frameshift and premature protein termination (p.Leu411Cysfs*19). In the literature this variant is referred to as 8521delG. This variant was reported in the homozygous state in an individual with osteopetrosis (Taranta et al. 2003. PubMed ID: 12507890). This variant has not been reported in a large population database, indicating this variant is rare. Frameshift variants in TCIRG1 are expected to be pathogenic. This variant is interpreted as pathogenic.

Literature cited by the submitters: PubMed 12507890 (cited by Natera, Inc. and Labcorp Genetics (formerly Invitae), Labcorp); PubMed 10888887 (cited by Labcorp Genetics (formerly Invitae), Labcorp); PubMed 10942435 (cited by Labcorp Genetics (formerly Invitae), Labcorp); PubMed 11532986 (cited by Labcorp Genetics (formerly Invitae), Labcorp); PubMed 19448635 (cited by Labcorp Genetics (formerly Invitae), Labcorp).

NM_006019.4(TCIRG1):c.1230del (p.Leu411fs)

Gene: TCIRG1 (T cell immune regulator 1, ATPase H+ transporting V0 subunit a3; plus strand). Cytogenetic location: 11q13.2.
Variant type: Deletion.
Coding change: c.1230del on transcript NM_006019.4 (MANE Select); coding-DNA position 1230, one base deleted (G; older notation c.1230delG).
Protein change: p.Leu411fs; shifts the reading frame from leucine 411.
Molecular consequence: frameshift variant.
Genome position (GRCh38, 1-based): chr11:68,047,497, G deleted; the last of 3 consecutive G bases (chr11:68,047,495-68,047,497); deleting any one gives the same sequence. VCF-style (leftmost placement, unchanged base first): chr11-68047494-CG-C. GRCh37 (hg19) VCF-style: chr11-67814961-CG-C.
Other names: c.1230delG (NM_006019.3); c.336del, p.Leu113fs (NM_001351059.2); c.582del, p.Leu195fs (NM_006053.4); short protein forms L113fs, L195fs, L411fs.
Identifiers: ClinVar variation 1452936 (VCV001452936.12), dbSNP rs2134454279, ClinGen allele CA2573147493.